The following is an entry in ClinVar:

NM_153700.2(STRC):c.3980del (p.Pro1327fs)

Gene: STRC (stereocilin; minus strand). Cytogenetic location: 15q15.3.
Variant type: Deletion.
Coding change: c.3980del on transcript NM_153700.2 (MANE Select); coding-DNA position 3980, one base deleted (C; older notation c.3980delC).
Protein change: p.Pro1327fs; shifts the reading frame from proline 1327.
Molecular consequence: frameshift variant.
Genome position (GRCh38, 1-based): chr15:43,604,797, G deleted on the plus strand (C on the coding strand, the reverse complement: STRC is on the minus strand); the first of 3 consecutive G bases (chr15:43,604,797-43,604,799); deleting any one gives the same sequence. VCF-style (leftmost placement, unchanged base first): chr15-43604796-AG-A. GRCh37 (hg19) VCF-style: chr15-43896994-AG-A.
Other names: c.3980delC (NM_153700.2); short protein forms P1327fs.
Identifiers: ClinVar variation 2631225 (VCV002631225.1), dbSNP rs1038585075, ClinGen allele CA270010133.
Genomic context (GRCh38, chr15:43,604,796, plus strand): 5'-GGACAGCAGGATCTGTAGGGGGATCTGTCGTGTGCTCTCTGTCCCCAGGAATCCAACCAA[AG>A]GGCCTAAGGTCTCCAGCACTTCCCCTGAGACTGGAGTCTCCTTTGGAGCCTGGAGAAGAG-3'

ClinVar aggregate classification (germline): Likely pathogenic (1 of 4 stars; one submission).

Conditions:
STRC-related disorder. Also called: STRC-related condition.

Submission:

PreventionGenetics, part of Exact Sciences
Classification: Likely pathogenic for STRC-related condition. Last evaluated: 2023-08-01. Review status: criteria provided, single submitter. Criteria: ACMG Guidelines, 2015. Collection method: clinical testing. Allele origin: germline.
Comment: The STRC c.3980delC variant is predicted to result in a frameshift and premature protein termination (p.Pro1327Leufs*31). To our knowledge, this variant has not been reported in the literature or in a large population database, indicating this variant is rare. Frameshift variants in STRC are expected to be pathogenic. This variant is interpreted as likely pathogenic.